The following is an entry in ClinVar:

ClinVar aggregate classification (germline): Likely benign (1 of 4 stars; one submission).

Conditions:
Malignant hyperthermia, susceptibility to, 1 (MHS1). Also called: Anesthesia related hyperthermia; Malignant hyperpyrexia; Fulminating hyperpyrexia; Pharmacogenic myopathy; Malignant hyperthermia suceptibility 1; RYR1-Related Malignant Hyperthermia Susceptibility. Identifiers: Orphanet 423, MedGen C2930980, MONDO:0007783, OMIM 145600.

gnomAD v4.1: 1 of 1,614,258 alleles (0.000062%); highest among the groups gnomAD compares: Non-Finnish European, 0.000085%; no homozygotes.

Submission:

All of Us Research Program, National Institutes of Health
Classification: Likely benign for Malignant hyperthermia, susceptibility to, 1. Last evaluated: 2024-07-29. Review status: criteria provided, single submitter. Criteria: ACMG Guidelines, 2015. Collection method: clinical testing. Allele origin: germline. Inheritance: Autosomal dominant inheritance. Observed: 1 variant allele, 1 heterozygote.
Comment: This study involves interpretation of variants in research participants for the purpose of population health screening. Participant phenotype was not available at the time of variant classification. Additional details can be found in publication PMID: 35346344, PMCID: PMC8962531

NM_000540.3(RYR1):c.9297C>G (p.Ala3099=)

Gene: RYR1 (ryanodine receptor 1; plus strand). Cytogenetic location: 19q13.2.
Variant type: single nucleotide variant.
Coding change: c.9297C>G on transcript NM_000540.3 (MANE Select); coding-DNA position 9297, C replaced by G.
Protein change: p.Ala3099=; no amino-acid change (alanine 3099 retained).
Molecular consequence: synonymous variant.
Genome position (GRCh38, 1-based): chr19:38,512,308, C>G. VCF-style: chr19-38512308-C-G. GRCh37 (hg19) VCF-style: chr19-39002948-C-G.
Other names: c.9297C>G, p.Ala3099= (NM_001042723.2).
Identifiers: ClinVar variation 3385501 (VCV003385501.1).